The following is an entry in ClinVar:

NM_173630.4(RTTN):c.779G>C (p.Cys260Ser)

Gene: RTTN (rotatin; minus strand). Cytogenetic location: 18q22.2.
Variant type: single nucleotide variant.
Coding change: c.779G>C on transcript NM_173630.4 (MANE Select); coding-DNA position 779, G replaced by C.
Protein change: p.Cys260Ser; replaces cysteine 260 with serine.
Molecular consequence: missense variant. On other transcripts: 5 prime UTR variant (1).
Genome position (GRCh38, 1-based): chr18:70,196,563, C>G on the plus strand (G>C on the coding strand, the complement: RTTN is on the minus strand). VCF-style: chr18-70196563-C-G. GRCh37 (hg19) VCF-style: chr18-67863799-C-G.
Other names: c.-1775G>C (NM_001318520.2); short protein forms C260S.
Identifiers: ClinVar variation 4746888 (VCV004746888.1).

ClinVar aggregate classification (germline): Uncertain significance (1 of 4 stars; one submission).

Submission:

Labcorp Genetics (formerly Invitae), Labcorp
Classification: Uncertain significance. Last evaluated: 2025-12-03. Review status: criteria provided, single submitter. Criteria: Invitae Variant Classification Sherloc (09022015). Collection method: clinical testing. Allele origin: germline.
Comment: This sequence change replaces cysteine, which is neutral and slightly polar, with serine, which is neutral and polar, at codon 260 of the RTTN protein (p.Cys260Ser). This variant is not present in population databases (gnomAD no frequency). This variant has not been reported in the literature in individuals affected with RTTN-related conditions. Invitae Evidence Modeling of protein sequence and biophysical properties (such as structural, functional, and spatial information, amino acid conservation, physicochemical variation, residue mobility, and thermodynamic stability) indicates that this missense variant is not expected to disrupt RTTN protein function with a negative predictive value of 80%. In summary, the available evidence is currently insufficient to determine the role of this variant in disease. Therefore, it has been classified as a Variant of Uncertain Significance.